The following is an entry in ClinVar:

NM_006891.4(CRYGD):c.22dup (p.Glu8fs)

Genes: CRYGD (crystallin gamma D; minus strand), LOC100507443 (uncharacterized LOC100507443; plus strand). Cytogenetic location: 2q33.3.
Variant type: Duplication.
Coding change: c.22dup on transcript NM_006891.4 (MANE Select); coding-DNA position 22, one base duplicated (G; older notation c.22dupG).
Protein change: p.Glu8fs; shifts the reading frame from glutamic acid 8.
Molecular consequence: frameshift variant.
Genome position (GRCh38, 1-based): chr2:208,124,342, C duplicated on the plus strand (G on the coding strand, the reverse complement: CRYGD is on the minus strand). VCF-style (leftmost placement, unchanged base first): chr2-208124341-T-TC. GRCh37 (hg19) VCF-style: chr2-208989065-T-TC.
Other names: c.22dupG (NM_006891.4); short protein forms E8fs.
Identifiers: ClinVar variation 4848968 (VCV004848968.1).

ClinVar aggregate classification (germline): Uncertain significance (1 of 4 stars; one submission).

Submission:

Women's Health and Genetics/Laboratory Corporation of America, LabCorp
Classification: Uncertain significance. Last evaluated: 2026-04-28. Review status: criteria provided, single submitter. Criteria: LabCorp Variant Classification Summary - May 2015. Collection method: clinical testing. Allele origin: germline.
Comment: Variant summary: CRYGD c.22dupG (p.Glu8GlyfsX11) results in a premature termination codon, predicted to cause a truncation of the encoded protein or absence of the protein due to nonsense mediated decay, however current evidence is not sufficient to establish loss of function as a mechanism for disease. The variant was absent in 241446 control chromosomes. The available data on variant occurrences in the general population are insufficient to allow any conclusion about variant significance. To our knowledge, no occurrence of c.22dupG in individuals affected with CRYGD-related conditions and no experimental evidence demonstrating its impact on protein function have been reported. No submitters have cited clinical-significance assessments for this variant to ClinVar. Based on the evidence outlined above, the variant was classified as uncertain significance.